The following is an entry in ClinVar:

NM_001134407.3(GRIN2A):c.3398C>G (p.Pro1133Arg)

Gene: GRIN2A (glutamate ionotropic receptor NMDA type subunit 2A; minus strand). Cytogenetic location: 16p13.2.
Variant type: single nucleotide variant.
Coding change: c.3398C>G on transcript NM_001134407.3 (MANE Select); coding-DNA position 3398, C replaced by G.
Protein change: p.Pro1133Arg; replaces proline 1133 with arginine.
Molecular consequence: missense variant.
Genome position (GRCh38, 1-based): chr16:9,764,146, G>C on the plus strand (C>G on the coding strand, the complement: GRIN2A is on the minus strand). VCF-style: chr16-9764146-G-C. GRCh37 (hg19) VCF-style: chr16-9858003-G-C.
Other names: c.3398C>G, p.Pro1133Arg (NM_000833.5, NM_001134408.2); short protein forms P1133R.
Identifiers: ClinVar variation 998721 (VCV000998721.9), dbSNP rs1311723266, ClinGen allele CA394707952.
Genomic context (GRCh38, chr16:9,764,146, plus strand): 5'-TCCTGGTAGGGGTCCGGGAAGTCCACGTTCTCGGGCAGGGTCACATTTTCAACAAACTGG[G>C]GTGGATCTAAGTGGAAACCAGGCTCCTTCTCACCATCTATAGTGTAGATCTTGTCTCTAG-3'
Protein context (NP_001127879.1, residues 1123-1143): EKEPGFHLDP[Pro1133Arg]QFVENVTLPE

ClinVar aggregate classification (germline): Uncertain significance (1 of 4 stars; one submission).

Conditions:
Landau-Kleffner syndrome (FESD). Also called: EPILEPSY, FOCAL, WITH SPEECH DISORDER AND WITH OR WITHOUT MENTAL RETARDATION; APHASIA, ACQUIRED, WITH EPILEPSY. Identifiers: Orphanet 1945, Orphanet 725, Orphanet 98818, MedGen C0282512, MONDO:0009509, OMIM 245570.

Allele frequency attached by ClinVar (database versions not stated): gnomAD exomes 0.00001; TOPMed 0.00001.
gnomAD v4.1: 8 of 1,613,582 alleles (0.0005%); highest among the groups gnomAD compares: South Asian, 0.0088%; 1 homozygote.

Submission:

Labcorp Genetics (formerly Invitae), Labcorp
Classification: Uncertain significance for Landau-Kleffner syndrome. Last evaluated: 2021-02-12. Review status: criteria provided, single submitter. Criteria: Invitae Variant Classification Sherloc (09022015). Collection method: clinical testing. Allele origin: germline.
Comment: This variant has not been reported in the literature in individuals with GRIN2A-related conditions. In summary, the available evidence is currently insufficient to determine the role of this variant in disease. Therefore, it has been classified as a Variant of Uncertain Significance. Advanced modeling of protein sequence and biophysical properties (such as structural, functional, and spatial information, amino acid conservation, physicochemical variation, residue mobility, and thermodynamic stability) performed at Invitae indicates that this missense variant is not expected to disrupt GRIN2A protein function. This variant is not present in population databases (ExAC no frequency). This sequence change replaces proline with arginine at codon 1133 of the GRIN2A protein (p.Pro1133Arg). The proline residue is moderately conserved and there is a moderate physicochemical difference between proline and arginine.